The following is an entry in ClinVar:

ClinVar aggregate classification (germline): Uncertain significance. Review status: criteria provided, multiple submitters, no conflicts (2 of 4 stars). 2 submissions from 2 submitters: Uncertain significance (2). Last evaluated 2023-05-20.

Conditions:
Inborn genetic diseases. Identifiers: MedGen C0950123, MeSH D030342.
Generalized epilepsy-paroxysmal dyskinesia syndrome (PNKD3). Also called: Generalized epilepsy and paroxysmal dyskinesia; Paroxysmal nonkinesigenic dyskinesia, 3, with or without generalized epilepsy. Identifiers: Orphanet 79137, MedGen C5574945, MONDO:0012276, OMIM 609446.

Allele frequency attached by ClinVar (database versions not stated): TOPMed below 0.00001; gnomAD 0.00001.
gnomAD v4.1: 2 of 1,613,892 alleles (0.00012%); highest among the groups gnomAD compares: African/African-American, 0.0027%; no homozygotes.

Submissions (2):

Labcorp Genetics (formerly Invitae), Labcorp
Classification: Uncertain significance for Generalized epilepsy-paroxysmal dyskinesia syndrome. Last evaluated: 2023-05-20. Review status: criteria provided, single submitter. Criteria: Invitae Variant Classification Sherloc (09022015). Collection method: clinical testing. Allele origin: germline.
Comment: This sequence change replaces glycine, which is neutral and non-polar, with arginine, which is basic and polar, at codon 737 of the KCNMA1 protein (p.Gly737Arg). The frequency data for this variant in the population databases is considered unreliable, as metrics indicate poor data quality at this position in the gnomAD database. This variant has not been reported in the literature in individuals affected with KCNMA1-related conditions. ClinVar contains an entry for this variant (Variation ID: 2308750). Advanced modeling of protein sequence and biophysical properties (such as structural, functional, and spatial information, amino acid conservation, physicochemical variation, residue mobility, and thermodynamic stability) performed at Invitae indicates that this missense variant is not expected to disrupt KCNMA1 protein function. In summary, the available evidence is currently insufficient to determine the role of this variant in disease. Therefore, it has been classified as a Variant of Uncertain Significance.

Ambry Genetics
Classification: Uncertain significance for Inborn genetic diseases. Last evaluated: 2022-08-22. Review status: criteria provided, single submitter. Criteria: Ambry Variant Classification Scheme 2023. Collection method: clinical testing. Allele origin: germline.

NM_001161352.2(KCNMA1):c.2383G>C (p.Gly795Arg)

Genes: KCNMA1 (potassium calcium-activated channel subfamily M alpha 1; minus strand), KCNMA1-AS1 (KCNMA1 antisense RNA 1; plus strand). Cytogenetic location: 10q22.3.
Variant type: single nucleotide variant.
Coding change: c.2383G>C on transcript NM_001161352.2 (MANE Select); coding-DNA position 2383, G replaced by C.
Protein change: p.Gly795Arg; replaces glycine 795 with arginine.
Molecular consequence: missense variant.
Genome position (GRCh38, 1-based): chr10:76,953,902, C>G on the plus strand (G>C on the coding strand, the complement: KCNMA1 is on the minus strand). VCF-style: chr10-76953902-C-G. GRCh37 (hg19) VCF-style: chr10-78713660-C-G.
Other names: c.2059G>C, p.Gly687Arg (NM_001271518.2); c.2218G>C, p.Gly740Arg (NM_001271519.2, NM_001322829.2, NM_001322836.2); c.2230G>C, p.Gly744Arg (NM_001322830.2); c.2209G>C, p.Gly737Arg (NM_001322832.2, NM_001410940.1, NM_002247.4 and 1 more transcripts); c.2221G>C, p.Gly741Arg (NM_001322835.2, NM_001322837.2, NM_001014797.3); c.1756G>C, p.Gly586Arg (NM_001322838.2); short protein forms G740R, G586R, G737R, G741R, G687R, G744R, G795R.
Identifiers: ClinVar variation 2308750 (VCV002308750.5), dbSNP rs1249629399, ClinGen allele CA377407764.